The following is an entry in ClinVar:

ClinVar aggregate classification (germline): Uncertain significance (1 of 4 stars; one submission).

Submission:

ISCA site 14
Classification: Uncertain significance. Last evaluated: 2011-08-12. Review status: criteria provided, single submitter. Criteria: Kaminsky et al. (Genet Med. 2011). Collection method: clinical testing. Allele origin: de novo. Affected: yes. Observed: 1 variant allele.
Comment: Copy number variation identified through the course of routine clinical cytogenomic testing in postnatal populations. Clinical assertions have been curated as described in Kaminsky et al. 2011.

GRCh38/hg38 2p16.1-15(chr2:60009106-62006709)x3

Genes: BCL11A (BCL11 transcription factor A; minus strand), C2orf74 (chromosome 2 open reading frame 74; plus strand), C2orf74-AS1 (C2orf74 antisense RNA 1; minus strand), C2orf74-DT (C2orf74 divergent transcript; minus strand), CCT4 (chaperonin containing TCP1 subunit 4; minus strand) and 93 more. Cytogenetic location: 2p16.1-15.
Variant type: copy number gain.
Change: copy number 3 (three copies instead of two) of chr2:60,009,106-62,006,709 (2.00 Mb, GRCh38 coordinates, 1-based), cytogenetic band 2p16.1-15.
Identifiers: ClinVar variation 58870 (VCV000058870.1).